The following is an entry in ClinVar:

ClinVar aggregate classification (germline): Uncertain significance (1 of 4 stars; one submission).

Conditions:
Deafness-lymphedema-leukemia syndrome. Also called: Lymphedema, primary, with myelodysplasia; Emberger syndrome. Identifiers: Orphanet 3226, MedGen C3279664, MONDO:0013540, OMIM 614038.
Monocytopenia with susceptibility to infections. Also called: MONOCYTOPENIA AND MYCOBACTERIAL INFECTION SYNDROME; MONOCYTOPENIA WITH SUSCEPTIBILITY TO MYCOBACTERIAL, FUNGAL, AND PAPILLOMAVIRUS INFECTIONS AND MYELODYSPLASIA; COMBINED IMMUNODEFICIENCY WITH SUSCEPTIBILITY TO MYCOBACTERIAL, VIRAL, AND FUNGAL INFECTIONS; Dendritic cell, monocyte, B lymphocyte, and natural killer lymphocyte deficiency; IMMUNODEFICIENCY 21; GATA2 DEFICIENCY. Identifiers: Orphanet 228423, MedGen C3280030, MONDO:0013607, OMIM 614172.

Submission:

Labcorp Genetics (formerly Invitae), Labcorp
Classification: Uncertain significance for Monocytopenia with susceptibility to infections; Deafness-lymphedema-leukemia syndrome. Last evaluated: 2022-06-07. Review status: criteria provided, single submitter. Criteria: Invitae Variant Classification Sherloc (09022015). Collection method: clinical testing. Allele origin: germline.
Comment: This sequence change replaces glutamic acid, which is acidic and polar, with leucine, which is neutral and non-polar, at codon 416 of the GATA2 protein (p.Glu416Leu). Information on the frequency of this variant in the gnomAD database is not available, as this variant may be reported differently in the database. This variant has not been reported in the literature in individuals affected with GATA2-related conditions. Algorithms developed to predict the effect of missense changes on protein structure and function are either unavailable or do not agree on the potential impact of this missense change (SIFT: "Not Available"; PolyPhen-2: "Probably Damaging"; Align-GVGD: "Not Available"). In summary, the available evidence is currently insufficient to determine the role of this variant in disease. Therefore, it has been classified as a Variant of Uncertain Significance.

NM_032638.5(GATA2):c.1246_1247delinsTT (p.Glu416Leu)

Gene: GATA2 (GATA binding protein 2; minus strand). Cytogenetic location: 3q21.3.
Variant type: Indel.
Coding change: c.1246_1247delinsTT on transcript NM_032638.5 (MANE Select); coding-DNA positions 1246 to 1247, GA replaced by TT.
Protein change: p.Glu416Leu; replaces glutamic acid 416 with leucine.
Molecular consequence: missense variant.
Genome position (GRCh38, 1-based): chr3:128,481,215-128,481,216, TC replaced by AA on the plus strand (GA replaced by TT on the coding strand, the reverse complement: GATA2 is on the minus strand). VCF-style: chr3-128481215-TC-AA. GRCh37 (hg19) VCF-style: chr3-128200058-TC-AA.
Other names: c.1246_1247delinsTT, p.Glu416Leu (NM_001145661.2); c.1204_1205delinsTT, p.Glu402Leu (NM_001145662.1); short protein forms E402L, E416L.
Identifiers: ClinVar variation 2002570 (VCV002002570.4), dbSNP rs2472919075, ClinGen allele CA2580068695.